The following is an entry in ClinVar:

NM_024675.4(PALB2):c.2846G>A (p.Cys949Tyr)

Gene: PALB2 (partner and localizer of BRCA2; minus strand). Cytogenetic location: 16p12.2.
Variant type: single nucleotide variant.
Coding change: c.2846G>A on transcript NM_024675.4 (MANE Select); coding-DNA position 2846, G replaced by A.
Protein change: p.Cys949Tyr; replaces cysteine 949 with tyrosine.
Molecular consequence: missense variant.
Genome position (GRCh38, 1-based): chr16:23,623,119, C>T on the plus strand (G>A on the coding strand, the complement: PALB2 is on the minus strand). VCF-style: chr16-23623119-C-T. GRCh37 (hg19) VCF-style: chr16-23634440-C-T.
Other names: p.C949Y:TGT>TAT; short protein forms C949Y.
Identifiers: ClinVar variation 128135 (VCV000128135.19), dbSNP rs587778588, ClinGen allele CA161352.

ClinVar aggregate classification (germline): Conflicting classifications of pathogenicity. Review status: criteria provided, conflicting classifications (1 of 4 stars). 8 submissions from 8 submitters: Uncertain significance (6); Likely benign (1). 1 of the submissions does not count toward it. Last evaluated 2025-11-22.

Conditions:
Pancreatic cancer, susceptibility to, 3. Identifiers: Orphanet 1333, MedGen C3150547, MONDO:0013236, OMIM 613348.
Fanconi anemia complementation group N. Also called: PALB2-Related Fanconi Anemia. Identifiers: Orphanet 84, MedGen C1835817, MONDO:0012565, OMIM 610832. Disease mechanism: loss of function.
Breast-ovarian cancer, familial, susceptibility to, 5 (BROVCA5). Identifiers: MedGen C5830615, MONDO:0957530, OMIM 620442.
Hereditary cancer-predisposing syndrome. Also called: Tumor predisposition; Hereditary Cancer Syndrome; Neoplastic Syndromes, Hereditary; Hereditary neoplastic syndrome. Identifiers: Orphanet 140162, MedGen C0027672, MeSH D009386, MONDO:0015356.
Familial cancer of breast. Also called: BREAST CANCER, FAMILIAL; Hereditary breast cancer; hereditary breast carcinoma. Identifiers: Orphanet 227535, MedGen C0346153, MONDO:0016419, OMIM 114480. Disease mechanism: loss of function.

Allele frequency attached by ClinVar (database versions not stated): gnomAD exomes below 0.00001; gnomAD 0.00001; TOPMed 0.00002.
gnomAD v4.1: 4 of 1,607,130 alleles (0.00025%); highest among the groups gnomAD compares: African/African-American, 0.0041%; no homozygotes.

Submissions (8):

Labcorp Genetics (formerly Invitae), Labcorp
Classification: Uncertain significance for Familial cancer of breast. Last evaluated: 2025-11-22. Review status: criteria provided, single submitter. Criteria: Invitae Variant Classification Sherloc (09022015). Collection method: clinical testing. Allele origin: germline.
Comment: This sequence change replaces cysteine, which is neutral and slightly polar, with tyrosine, which is neutral and polar, at codon 949 of the PALB2 protein (p.Cys949Tyr). This variant is present in population databases (rs587778588, gnomAD 0.007%). This variant has not been reported in the literature in individuals affected with PALB2-related conditions. ClinVar contains an entry for this variant (Variation ID: 128135). Invitae Evidence Modeling of protein sequence and biophysical properties (such as structural, functional, and spatial information, amino acid conservation, physicochemical variation, residue mobility, and thermodynamic stability) indicates that this missense variant is not expected to disrupt PALB2 protein function with a negative predictive value of 80%. In summary, the available evidence is currently insufficient to determine the role of this variant in disease. Therefore, it has been classified as a Variant of Uncertain Significance.

Quest Diagnostics Nichols Institute San Juan Capistrano
Classification: Uncertain significance. Last evaluated: 2024-11-25. Review status: criteria provided, single submitter. Criteria: Quest Diagnostics criteria. Collection method: clinical testing. Allele origin: unknown.
Comment: The PALB2 c.2846G>A (p.Cys949Tyr) variant has been reported in the published literature in reportedly healthy individuals (PMIDs: 24728327 (2014), 33471991 (2021), see also LOVD). The frequency of this variant in the general population, 0.000004 (1/251178 chromosomes (Genome Aggregation Database)), is uninformative in the assessment of its pathogenicity. Analysis of this variant using bioinformatics tools for the prediction of the effect of amino acid changes on protein structure and function yielded predictions that this variant is benign. Based on the available information, we are unable to determine the clinical significance of this variant.

Fulgent Genetics
Classification: Uncertain significance for Fanconi anemia complementation group N; Pancreatic cancer, susceptibility to, 3; Breast-ovarian cancer, familial, susceptibility to, 5. Last evaluated: 2024-02-28. Review status: criteria provided, single submitter. Criteria: ACMG Guidelines, 2015. Collection method: clinical testing. Allele origin: germline.

Baylor Genetics
Classification: Uncertain significance for Familial cancer of breast. Last evaluated: 2024-02-14. Review status: criteria provided, single submitter. Criteria: ACMG Guidelines, 2015. Collection method: clinical testing. Allele origin: unknown.

Ambry Genetics
Classification: Likely benign for Hereditary cancer-predisposing syndrome. Last evaluated: 2024-01-30. Review status: criteria provided, single submitter. Criteria: Ambry Variant Classification Scheme 2023. Collection method: clinical testing. Allele origin: germline.

Color Diagnostics, LLC DBA Color Health
Classification: Uncertain significance for Hereditary cancer-predisposing syndrome. Last evaluated: 2021-06-09. Review status: criteria provided, single submitter. Criteria: ACMG Guidelines, 2015. Collection method: clinical testing. Allele origin: germline.
Comment: This missense variant replaces cysteine with tyrosine at codon 949 of the PALB2 protein. Computational prediction suggests that this variant may not impact protein structure and function (internally defined REVEL score threshold <= 0.5, PMID: 27666373). To our knowledge, functional studies have not been reported for this variant. This variant has been reported in a breast cancer case-control meta-analysis in 0/60466 cases and 1/53460 unaffected individuals (PMID: 33471991; Leiden Open Variation Database DB-ID PALB2_010827). This variant has been identified in 1/251178 chromosomes in the general population by the Genome Aggregation Database (gnomAD). The available evidence is insufficient to determine the role of this variant in disease conclusively. Therefore, this variant is classified as a Variant of Uncertain Significance.

GeneDx
Classification: Uncertain significance. Last evaluated: 2017-06-12. Review status: criteria provided, single submitter. Criteria: GeneDx Variant Classification (06012015). Collection method: clinical testing. Allele origin: germline. Affected: yes.
Comment: This variant is denoted PALB2 c.2846G>A at the cDNA level, p.Cys949Tyr (C949Y) at the protein level, and results in the change of a Cysteine to a Tyrosine (TGT>TAT). PALB2 Cys949Tyr was identified in 1/43 healthy African individuals undergoing whole genome sequencing (Bodian 2014). PALB2 Cys949Tyr was not observed in large population cohorts (Lek 2016, The 1000 Genomes Consortium 2015, NHLBI Exome Sequencing Project). Since Cysteine and Tyrosine differ in polarity, charge, size or other properties, this is considered a non-conservative amino acid substitution. PALB2 Cys949Tyr occurs at a position that is not conserved and is located in the WD2 repeat and a region known to interact with multiple proteins and required for POLH DNA synthesis stimulation (Uniprot). In silico analyses are inconsistent regarding the effect this variant may have on protein structure and function. Based on the currently available information, we consider PALB2 Cys949Tyr to be a variant of uncertain significance.

ITMI
No classification provided. Condition: AllHighlyPenetrant. Last evaluated: 2013-09-19. Review status: no classification provided. Collection method: reference population. Allele origin: germline. Not counted in ClinVar's aggregate classification.
Comment: Please see associated publication for description of ethnicities

Literature cited by the submitters: PubMed 24728327 (cited by 3 submitters); PubMed 33471991 (cited by Quest Diagnostics Nichols Institute San Juan Capistrano and Ambry Genetics).